The following is an entry in ClinVar:

NM_004974.4(KCNA2):c.650C>A (p.Ser217Tyr)

Gene: KCNA2 (potassium voltage-gated channel subfamily A member 2; minus strand). Cytogenetic location: 1p13.3.
Variant type: single nucleotide variant.
Coding change: c.650C>A on transcript NM_004974.4 (MANE Select); coding-DNA position 650, C replaced by A.
Protein change: p.Ser217Tyr; replaces serine 217 with tyrosine.
Molecular consequence: missense variant.
Genome position (GRCh38, 1-based): chr1:110,604,133, G>T on the plus strand (C>A on the coding strand, the complement: KCNA2 is on the minus strand). VCF-style: chr1-110604133-G-T. GRCh37 (hg19) VCF-style: chr1-111146755-G-T.
Other names: c.650C>A, p.Ser217Tyr (NM_001204269.2); short protein forms S217Y.
Identifiers: ClinVar variation 2856259 (VCV002856259.3), dbSNP rs2524619904, ClinGen allele CA341603522.

ClinVar aggregate classification (germline): Uncertain significance (1 of 4 stars; one submission).

Conditions:
Developmental and epileptic encephalopathy, 32 (DEE32). Also called: Epileptic encephalopathy, early infantile, 32. Identifiers: Orphanet 442835, MedGen C4225350, MONDO:0014607, OMIM 616366.

Submission:

Labcorp Genetics (formerly Invitae), Labcorp
Classification: Uncertain significance for Developmental and epileptic encephalopathy, 32. Last evaluated: 2023-07-27. Review status: criteria provided, single submitter. Criteria: Invitae Variant Classification Sherloc (09022015). Collection method: clinical testing. Allele origin: germline.
Comment: In summary, the available evidence is currently insufficient to determine the role of this variant in disease. Therefore, it has been classified as a Variant of Uncertain Significance. Advanced modeling of protein sequence and biophysical properties (such as structural, functional, and spatial information, amino acid conservation, physicochemical variation, residue mobility, and thermodynamic stability) performed at Invitae indicates that this missense variant is not expected to disrupt KCNA2 protein function. This variant has not been reported in the literature in individuals affected with KCNA2-related conditions. This variant is not present in population databases (gnomAD no frequency). This sequence change replaces serine, which is neutral and polar, with tyrosine, which is neutral and polar, at codon 217 of the KCNA2 protein (p.Ser217Tyr).